The following is an entry in ClinVar:

NM_004946.3(DOCK2):c.169-72G>C

Gene: DOCK2 (dedicator of cytokinesis 2; plus strand). Cytogenetic location: 5q35.1.
Variant type: single nucleotide variant.
Coding change: c.169-72G>C on transcript NM_004946.3 (MANE Select); 72 bases into the intron before coding-DNA position 169, G replaced by C.
Molecular consequence: intron variant.
Genome position (GRCh38, 1-based): chr5:169,670,470, G>C. VCF-style: chr5-169670470-G-C. GRCh37 (hg19) VCF-style: chr5-169097474-G-C.
Identifiers: ClinVar variation 802175 (VCV000802175.3), dbSNP rs2306564, ClinGen allele CA16248771.

ClinVar aggregate classification (germline): Benign. Review status: criteria provided, multiple submitters, no conflicts (2 of 4 stars). 2 submissions from 2 submitters: Benign (2). Last evaluated 2024-01-24.

Conditions:
DOCK2 deficiency. Also called: Immunodeficiency 40. Identifiers: Orphanet 447737, MedGen C4225328, MONDO:0014637, OMIM 616433.

Allele frequency attached by ClinVar (database versions not stated): 1000 Genomes Project 30x 0.59135; TOPMed 0.57786.
gnomAD v4.1: 948,472 of 1,549,236 alleles (61%); highest among the groups gnomAD compares: South Asian, 72%; 293,339 homozygotes.

Submissions (2):

Unidad de Genómica Garrahan, Hospital de Pediatría Garrahan
Classification: Benign. Last evaluated: 2024-01-24. Review status: criteria provided, single submitter. Criteria: ACMG Guidelines, 2015. Collection method: clinical testing. Allele origin: germline. Affected: no. Observed: 59 variant alleles.
Comment: This variant is classified as Benign based on local population frequency. This variant was detected in 62% of patients studied by a panel of primary immunodeficiencies. Number of patients: 59. Only high quality variants are reported.

Mendelics
Classification: Benign for DOCK2 deficiency. Last evaluated: 2019-05-28. Review status: criteria provided, single submitter. Criteria: Mendelics Assertion Criteria 2017. Collection method: clinical testing. Allele origin: unknown.